The following is an entry in ClinVar:

NM_018139.3(DNAAF2):c.1482A>G (p.Thr494=)

Gene: DNAAF2 (dynein axonemal assembly factor 2; minus strand). Cytogenetic location: 14q21.3.
Variant type: single nucleotide variant.
Coding change: c.1482A>G on transcript NM_018139.3 (MANE Select); coding-DNA position 1482, A replaced by G.
Protein change: p.Thr494=; no amino-acid change (threonine 494 retained).
Molecular consequence: synonymous variant. On other transcripts: 5 prime UTR variant (1).
Genome position (GRCh38, 1-based): chr14:49,633,668, T>C on the plus strand (A>G on the coding strand, the complement: DNAAF2 is on the minus strand). VCF-style: chr14-49633668-T-C. GRCh37 (hg19) VCF-style: chr14-50100386-T-C.
Other names: p.Thr494=; c.1482A>G, p.Thr494= (NM_001083908.2); c.-390A>G (NM_001378453.1).
Identifiers: ClinVar variation 95892 (VCV000095892.32), dbSNP rs2985687, ClinGen allele CA149012.

ClinVar aggregate classification (germline): Benign/Likely benign. Review status: criteria provided, multiple submitters, no conflicts (2 of 4 stars). 12 submissions from 12 submitters: Benign (10); Likely benign (1). 1 of the submissions does not count toward it. Last evaluated 2026-02-04.

Conditions:
Primary ciliary dyskinesia. Also called: Ciliary dyskinesia. Identifiers: Orphanet 244, MedGen C0008780, MONDO:0016575, HP:0012265.
Primary ciliary dyskinesia 10. Also called: CILIARY DYSKINESIA, PRIMARY, 10, WITH OR WITHOUT SITUS INVERSUS. Identifiers: Orphanet 244, MedGen C2675867, MONDO:0012918, OMIM 612518.

Allele frequency attached by ClinVar (database versions not stated): 1000 Genomes Project 0.48822; 1000 Genomes Project 30x 0.49453; TOPMed 0.62892; gnomAD 0.64603 and 0.65543; gnomAD exomes 0.64841; ExAC 0.64859; ESP Exome Variant Server 0.66636.
gnomAD v4.1: 1,148,465 of 1,610,450 alleles (71%); highest among the groups gnomAD compares: Non-Finnish European, 77%; 423,723 homozygotes.

Submissions (12):

Labcorp Genetics (formerly Invitae), Labcorp
Classification: Benign for Primary ciliary dyskinesia. Last evaluated: 2026-02-04. Review status: criteria provided, single submitter. Criteria: Invitae Variant Classification Sherloc (09022015). Collection method: clinical testing. Allele origin: germline.

Blueprint Genetics
Classification: Likely benign. Last evaluated: 2024-11-27. Review status: criteria provided, single submitter. Criteria: ACMG Guidelines, 2015. Collection method: clinical testing. Allele origin: germline.

Mayo Clinic Laboratories, Mayo Clinic
Classification: Benign. Last evaluated: 2022-04-26. Review status: criteria provided, single submitter. Criteria: ACMG Guidelines, 2015. Collection method: clinical testing. Allele origin: germline. Observed: 182 variant alleles.

GeneDx
Classification: Benign. Last evaluated: 2018-11-10. Review status: criteria provided, single submitter. Criteria: GeneDx Variant Classification Process June 2021. Collection method: clinical testing. Allele origin: germline. Affected: yes.

Illumina Laboratory Services, Illumina
Classification: Benign for Primary ciliary dyskinesia 10. Last evaluated: 2018-01-13. Review status: criteria provided, single submitter. Criteria: ICSL Variant Classification Criteria 13 December 2019. Collection method: clinical testing. Allele origin: germline.
Comment: This variant was observed in the ICSL laboratory as part of a predisposition screen in an ostensibly healthy population. It had not been previously curated by ICSL or reported in the Human Gene Mutation Database (HGMD: prior to June 1st, 2018), and was therefore a candidate for classification through an automated scoring system. Utilizing variant allele frequency, disease prevalence and penetrance estimates, and inheritance mode, an automated score was calculated to assess if this variant is too frequent to cause the disease. Based on the score and internal cut-off values, a variant classified as benign is not then subjected to further curation. The score for this variant resulted in a classification of benign for this disease.

Clinical Genetics DNA and cytogenetics Diagnostics Lab, Erasmus MC, Erasmus Medical Center
Classification: Benign for Primary ciliary dyskinesia 10. Last evaluated: 2015-09-21. Review status: criteria provided, single submitter. Criteria: ACGS Guidelines, 2013. Collection method: clinical testing. Allele origin: germline. Affected: yes. Study: VKGL Data-share Consensus.

Eurofins Ntd Llc (ga)
Classification: Benign. Last evaluated: 2015-07-22. Review status: criteria provided, single submitter. Criteria: EGL Classification Definitions 2015. Collection method: clinical testing. Allele origin: germline. Observed: 5 variant alleles, 4 heterozygotes, 1 homozygote.

Ambry Genetics
Classification: Benign for Primary ciliary dyskinesia. Last evaluated: 2014-11-26. Review status: criteria provided, single submitter. Criteria: Ambry Variant Classification Scheme 2023. Collection method: clinical testing. Allele origin: germline.

Laboratory for Molecular Medicine, Mass General Brigham Personalized Medicine
Classification: Benign. Last evaluated: 2013-02-21. Review status: criteria provided, single submitter. Criteria: LMM Criteria. Collection method: clinical testing. Allele origin: germline. Observed: 79 variant alleles.
Comment: Thr494Thr in exon 1 of DNAAF2: This variant is not expected to have clinical sig nificance because it does not alter an amino acid residue and is not located wit hin the splice consensus sequence. It has been identified in 48.9% (2153/4402) o f African American chromosomes from a broad population by the NHLBI Exome Sequen cing Project (dbSNP rs2985687).

Breakthrough Genomics
Classification: Benign. Review status: criteria provided, single submitter. Criteria: ACMG Guidelines, 2015. Collection method: not provided. Allele origin: germline. Inheritance: Autosomal recessive inheritance. Affected: yes.

PreventionGenetics, part of Exact Sciences
Classification: Benign. Review status: criteria provided, single submitter. Criteria: ACMG Guidelines, 2015. Collection method: clinical testing. Allele origin: germline.

Diagnostic Laboratory, Department of Genetics, University Medical Center Groningen
Classification: Benign for Primary ciliary dyskinesia 10. Review status: no assertion criteria provided. Collection method: clinical testing. Allele origin: germline. Affected: yes. Study: VKGL Data-share Consensus. Not counted in ClinVar's aggregate classification.